The following is an entry in ClinVar:

ClinVar aggregate classification (germline): Benign (1 of 4 stars; one submission).

Conditions:
Prostate cancer, hereditary, 9 (HPC9). Identifiers: Orphanet 1331, MedGen C1970250, MONDO:0012597, OMIM 610997.

Submission:

Myriad Genetics, Inc.
Classification: Benign for Prostate cancer, hereditary, 9. Last evaluated: 2024-10-29. Review status: criteria provided, single submitter. Criteria: Myriad Autosomal Dominant, Autosomal Recessive and X-Linked Classification Criteria (2023). Collection method: clinical testing. Allele origin: unknown.
Comment: This variant is considered benign. This variant is a silent/synonymous amino acid change and it is not expected to impact splicing.

NM_006361.6(HOXB13):c.363_366delinsGAGT (p.Pro121_Ser122=)

Gene: HOXB13 (homeobox B13; minus strand). Cytogenetic location: 17q21.32.
Variant type: Indel.
Coding change: c.363_366delinsGAGT on transcript NM_006361.6 (MANE Select); coding-DNA positions 363 to 366, CAGC replaced by GAGT.
Protein change: p.Pro121_Ser122=.
Molecular consequence: synonymous variant.
Genome position (GRCh38, 1-based): chr17:48,728,228-48,728,231, GCTG replaced by ACTC on the plus strand (CAGC replaced by GAGT on the coding strand, the reverse complement: HOXB13 is on the minus strand). VCF-style: chr17-48728228-GCTG-ACTC. GRCh37 (hg19) VCF-style: chr17-46805590-GCTG-ACTC.
Identifiers: ClinVar variation 3772999 (VCV003772999.1).